The following is an entry in ClinVar:

ClinVar aggregate classification (germline): Conflicting classifications of pathogenicity. Review status: criteria provided, conflicting classifications (1 of 4 stars). 2 submissions from 2 submitters: Uncertain significance (1); Likely benign (1). Last evaluated 2026-05-18.

Conditions:
Hereditary cancer-predisposing syndrome. Also called: Hereditary Cancer Syndrome; Hereditary neoplastic syndrome; Neoplastic Syndromes, Hereditary; Tumor predisposition. Identifiers: Orphanet 140162, MedGen C0027672, MeSH D009386, MONDO:0015356.

Submissions (2):

Ambry Genetics
Classification: Likely benign for Hereditary cancer-predisposing syndrome. Last evaluated: 2026-05-18. Review status: criteria provided, single submitter. Criteria: Ambry Variant Classification Scheme 2023. Collection method: clinical testing. Allele origin: germline.

Quest Diagnostics Nichols Institute San Juan Capistrano
Classification: Uncertain significance. Last evaluated: 2025-05-22. Review status: criteria provided, single submitter. Criteria: Quest Diagnostics criteria. Collection method: clinical testing. Allele origin: unknown.
Comment: The STK11 c.1210T>A (p.Ser404Thr) variant has not been reported in individuals with STK11-related conditions in the published literature. It also has not been reported in large, multi-ethnic general populations (Genome Aggregation Database). Analysis of this variant using bioinformatics tools for the prediction of the effect of amino acid changes on protein structure and function yielded predictions that this variant is benign. Based on the available information, we are unable to determine the clinical significance of this variant.

NM_000455.5(STK11):c.1210T>A (p.Ser404Thr)

Gene: STK11 (serine/threonine kinase 11; plus strand). Cytogenetic location: 19p13.3.
Variant type: single nucleotide variant.
Coding change: c.1210T>A on transcript NM_000455.5 (MANE Select); coding-DNA position 1210, T replaced by A.
Protein change: p.Ser404Thr; replaces serine 404 with threonine.
Molecular consequence: missense variant. On other transcripts: non-coding transcript variant (1).
Genome position (GRCh38, 1-based): chr19:1,226,555, T>A. VCF-style: chr19-1226555-T-A. GRCh37 (hg19) VCF-style: chr19-1226554-T-A.
Other names: short protein forms S404T.
Identifiers: ClinVar variation 3802404 (VCV003802404.3).
Genomic context (GRCh38, chr19:1,226,555, plus strand): 5'-CGGGGCCTCCCCAAGGCCGTGTGTATGAACGGCACAGAGGCGGCGCAGCTGAGCACCAAA[T>A]CCAGGGCGGAGGGCCGGGCCCCCAACCCTGCCCGCAAGGCCTGCTCCGCCAGCAGCAAGA-3'
Protein context (NP_000446.1, residues 394-414): GTEAAQLSTK[Ser404Thr]RAEGRAPNPA